The following is an entry in ClinVar:

ClinVar aggregate classification (germline): Likely benign. Review status: criteria provided, multiple submitters, no conflicts (2 of 4 stars). 2 submissions from 2 submitters: Likely benign (2). Last evaluated 2026-07-01.

Conditions:
Glycogen storage disease, type II (IOPD). Also called: CARDIOMEGALIA GLYCOGENICA DIFFUSA; GLYCOGENOSIS, GENERALIZED, CARDIAC FORM; GSD II; Glycogen storage disease type 2; Acid maltase deficiency disease; Aglucosidase alfa. Identifiers: Orphanet 365, MedGen C0017921, MONDO:0009290, OMIM 232300.

gnomAD v4.1: 4 of 1,612,358 alleles (0.00025%); highest among the groups gnomAD compares: Non-Finnish European, 0.00034%; no homozygotes.

Submissions (2):

Genomenon, Inc
Classification: Likely benign for Glycogen storage disease, type II. Last evaluated: 2026-07-01. Review status: criteria provided, single submitter. Criteria: Genomenon Sequence Variant Interpretation Standards - Updated. Collection method: curation. Allele origin: germline. Affected: no.
Comment: GAA c.1636+10C>T is an intronic variant located in intron 11. This variant has been reported in the published literature (PMID:36137614;34353347). It is absent or not present at a significant frequency in gnomAD. This variant is not predicted to impact splicing. In conclusion, we classify GAA c.1636+10C>T as a likely benign variant.

Labcorp Genetics (formerly Invitae), Labcorp
Classification: Likely benign for Glycogen storage disease, type II. Last evaluated: 2025-04-18. Review status: criteria provided, single submitter. Criteria: Invitae Variant Classification Sherloc (09022015). Collection method: clinical testing. Allele origin: germline.

Literature cited by the submitters: PubMed 36137614 (cited by Genomenon, Inc); PubMed 34353347 (cited by Genomenon, Inc).

NM_000152.5(GAA):c.1636+10C>T

Gene: GAA (alpha glucosidase; plus strand). Cytogenetic location: 17q25.3.
Variant type: single nucleotide variant.
Coding change: c.1636+10C>T on transcript NM_000152.5 (MANE Select); 10 bases into the intron after coding-DNA position 1636, C replaced by T.
Molecular consequence: intron variant.
Genome position (GRCh38, 1-based): chr17:80,111,035, C>T. VCF-style: chr17-80111035-C-T. GRCh37 (hg19) VCF-style: chr17-78084834-C-T.
Other names: c.1636+10C>T (NM_001079803.3, NM_001079804.3).
Identifiers: ClinVar variation 1644225 (VCV001644225.9), dbSNP rs778634411, ClinGen allele CA8815401.